The following is an entry in ClinVar:

NC_000022.11:g.20354692C>T

Variant type: single nucleotide variant.
Genome position: GRCh38 VCF-style: chr22-20354692-C-T. GRCh37 (hg19) VCF-style: chr22-20708982-C-T.
Identifiers: ClinVar variation 2652887 (VCV002652887.24), dbSNP rs770378090, ClinGen allele CA513389065.
Genomic context (GRCh38, chr22:20,354,692, plus strand): 5'-CAATATCGCTAATGAGGACGCCGCCCACGGCGTCGCTAACGAGGTCGCCGCCCAGGGCGT[C>T]GCTAACGAGGACGCCGTCCACTGCATCGCTAACGAGGTCGCCGCCCAGGGCGTCCTTAAA-3'

ClinVar aggregate classification (germline): Likely benign (1 of 4 stars; one submission).

Submission:

CeGaT Center for Human Genetics Tuebingen
Classification: Likely benign. Last evaluated: 2022-09-01. Review status: criteria provided, single submitter. Criteria: CeGaT Center For Human Genetics Tuebingen Variant Classification Criteria Version 2. Collection method: clinical testing. Allele origin: germline. Affected: yes. Observed: 1 variant allele.
Comment: FAM230A: BP4, BP7